The following is an entry in ClinVar:

ClinVar aggregate classification (germline): Uncertain significance (1 of 4 stars; one submission).

Conditions:
Cardiovascular phenotype. Identifiers: MedGen CN230736.

gnomAD v4.1: 3 of 1,612,498 alleles (0.00019%); highest among the groups gnomAD compares: East Asian, 0.0022%; no homozygotes.

Submission:

Ambry Genetics
Classification: Uncertain significance for Cardiovascular phenotype. Last evaluated: 2026-06-02. Review status: criteria provided, single submitter. Criteria: Ambry Variant Classification Scheme 2023. Collection method: clinical testing. Allele origin: germline.
Comment: The p.A199S variant (also known as c.595G>T), located in coding exon 6 of the AKAP9 gene, results from a G to T substitution at nucleotide position 595. The alanine at codon 199 is replaced by serine, an amino acid with similar properties. This amino acid position is highly conserved in available vertebrate species. In addition, the in silico prediction for this alteration is inconclusive. The evidence for this gene-disease relationship is limited; therefore, the clinical significance of this variant is unclear.

NM_005751.5(AKAP9):c.595G>T (p.Ala199Ser)

Gene: AKAP9 (A-kinase anchoring protein 9; plus strand). Cytogenetic location: 7q21.2.
Variant type: single nucleotide variant.
Coding change: c.595G>T on transcript NM_005751.5 (MANE Select); coding-DNA position 595, G replaced by T.
Protein change: p.Ala199Ser; replaces alanine 199 with serine.
Molecular consequence: missense variant.
Genome position (GRCh38, 1-based): chr7:91,994,639, G>T. VCF-style: chr7-91994639-G-T. GRCh37 (hg19) VCF-style: chr7-91623953-G-T.
Other names: c.595G>T, p.Ala199Ser (NM_147185.3); short protein forms A199S.
Identifiers: ClinVar variation 4869120 (VCV004869120.1).
Genomic context (GRCh38, chr7:91,994,639, plus strand): 5'-CAATTAAAAAAAATAAATCTAGCACTTACTATTTTCTTTCAGTTACAAGAATTTGAAGCT[G>T]CCATTAAACAAAGAGATGGCATTATAACCCAGCTCACTGCTAATTTACAACAAGCAAGAA-3'
Protein context (NP_005742.4, residues 189-209): GLQQLQEFEA[Ala199Ser]IKQRDGIITQ